The following is an entry in ClinVar:

ClinVar aggregate classification (germline): Uncertain significance (1 of 4 stars; one submission).

gnomAD v4.1: 2 of 1,613,958 alleles (0.00012%); highest among the groups gnomAD compares: Non-Finnish European, 0.00017%; no homozygotes.

Submission:

Labcorp Genetics (formerly Invitae), Labcorp
Classification: Uncertain significance. Last evaluated: 2025-02-24. Review status: criteria provided, single submitter. Criteria: Invitae Variant Classification Sherloc (09022015). Collection method: clinical testing. Allele origin: germline.
Comment: This sequence change affects codon 825 of the CUL7 mRNA. It is a 'silent' change, meaning that it does not change the encoded amino acid sequence of the CUL7 protein. This variant is not present in population databases (gnomAD no frequency). This variant has not been reported in the literature in individuals affected with CUL7-related conditions. ClinVar contains an entry for this variant (Variation ID: 3019829). Algorithms developed to predict the effect of sequence changes on RNA splicing suggest that this variant may disrupt the consensus splice site. In summary, the available evidence is currently insufficient to determine the role of this variant in disease. Therefore, it has been classified as a Variant of Uncertain Significance.

NM_014780.5(CUL7):c.2475A>G (p.Arg825=)

Gene: CUL7 (cullin 7; minus strand). Cytogenetic location: 6p21.1.
Variant type: single nucleotide variant.
Coding change: c.2475A>G on transcript NM_014780.5 (MANE Select); coding-DNA position 2475, A replaced by G.
Protein change: p.Arg825=; no amino-acid change (arginine 825 retained).
Molecular consequence: synonymous variant.
Genome position (GRCh38, 1-based): chr6:43,046,524, T>C on the plus strand (A>G on the coding strand, the complement: CUL7 is on the minus strand). VCF-style: chr6-43046524-T-C. GRCh37 (hg19) VCF-style: chr6-43014262-T-C.
Other names: c.2571A>G, p.Arg857= (NM_001168370.2, NM_001374872.1); c.2475A>G, p.Arg825= (NM_001374873.1, NM_001374874.1).
Identifiers: ClinVar variation 3019829 (VCV003019829.3), dbSNP rs775277088, ClinGen allele CA138248321.